The following is an entry in ClinVar:

ClinVar aggregate classification (germline): Uncertain significance (1 of 4 stars; one submission).

Conditions:
Hereditary spastic paraplegia 11. Also called: Spastic Paraplegia 11; Spastic paraplegia, mental retardation and thin corpus callosum; Nakamura Osame syndrome; Autosomal recessive hereditary spastic paraplegia, mental impairment, and thin corpus callosum; SPASTIC PARAPLEGIA, AUTOSOMAL RECESSIVE, COMPLICATED, WITH THIN CORPUS CALLOSUM; SPASTIC PARAPLEGIA, AUTOSOMAL RECESSIVE, WITH MENTAL IMPAIRMENT AND THIN CORPUS CALLOSUM. Identifiers: Orphanet 2822, MedGen C1858479, MONDO:0011445, OMIM 604360.

Submission:

Labcorp Genetics (formerly Invitae), Labcorp
Classification: Uncertain significance for Hereditary spastic paraplegia 11. Last evaluated: 2022-02-28. Review status: criteria provided, single submitter. Criteria: Invitae Variant Classification Sherloc (09022015). Collection method: clinical testing. Allele origin: germline.
Comment: This sequence change replaces arginine, which is basic and polar, with threonine, which is neutral and polar, at codon 869 of the SPG11 protein (p.Arg869Thr). This variant is not present in population databases (gnomAD no frequency). In summary, the available evidence is currently insufficient to determine the role of this variant in disease. Therefore, it has been classified as a Variant of Uncertain Significance. Algorithms developed to predict the effect of sequence changes on RNA splicing suggest that this variant may disrupt the consensus splice site. Algorithms developed to predict the effect of missense changes on protein structure and function (SIFT, PolyPhen-2, Align-GVGD) all suggest that this variant is likely to be tolerated. This variant has not been reported in the literature in individuals affected with SPG11-related conditions.

NM_025137.4(SPG11):c.2606G>C (p.Arg869Thr)

Gene: SPG11 (SPG11 vesicle trafficking associated, spatacsin; minus strand). Cytogenetic location: 15q21.1.
Variant type: single nucleotide variant.
Coding change: c.2606G>C on transcript NM_025137.4 (MANE Select); coding-DNA position 2606, G replaced by C.
Protein change: p.Arg869Thr; replaces arginine 869 with threonine.
Molecular consequence: missense variant.
Genome position (GRCh38, 1-based): chr15:44,621,773, C>G on the plus strand (G>C on the coding strand, the complement: SPG11 is on the minus strand). VCF-style: chr15-44621773-C-G. GRCh37 (hg19) VCF-style: chr15-44913971-C-G.
Other names: c.2606G>C, p.Arg869Thr (NM_001160227.2, NM_001411132.1); short protein forms R869T.
Identifiers: ClinVar variation 2104628 (VCV002104628.4), dbSNP rs1307155286, ClinGen allele CA392231419.
Genomic context (GRCh38, chr15:44,621,773, plus strand): 5'-TAATCCTCATTCAGTATGTTCATATTTCAGGCTCTCTCACACTTGCCTTCTGGACTTATC[C>G]TGGGGAGAAGGATGGATTCTTGTGTTAGTTGATCCCACCACAGAGCCCAATTTAACACAA-3'
Protein context (NP_079413.3, residues 859-879): QLTQESILLP[Arg869Thr]ISPEEYKSYS